The following is an entry in ClinVar:

NM_000551.4(VHL):c.166G>A (p.Ala56Thr)

Gene: VHL (von Hippel-Lindau tumor suppressor; plus strand). Cytogenetic location: 3p25.3.
Variant type: single nucleotide variant.
Coding change: c.166G>A on transcript NM_000551.4 (MANE Select); coding-DNA position 166, G replaced by A.
Protein change: p.Ala56Thr; replaces alanine 56 with threonine.
Molecular consequence: missense variant. On other transcripts: non-coding transcript variant (1).
Genome position (GRCh38, 1-based): chr3:10,142,013, G>A. VCF-style: chr3-10142013-G-A. GRCh37 (hg19) VCF-style: chr3-10183697-G-A.
Other names: c.166G>A, p.Ala56Thr (NM_001354723.2, NM_198156.3); short protein forms A56T.
Identifiers: ClinVar variation 2662652 (VCV002662652.5), dbSNP rs1421828060, ClinGen allele CA351748538.

ClinVar aggregate classification (germline): Uncertain significance. Review status: criteria provided, multiple submitters, no conflicts (2 of 4 stars). 3 submissions from 3 submitters: Uncertain significance (3). Last evaluated 2023-11-20.

Conditions:
Chuvash polycythemia. Also called: POLYCYTHEMIA, VHL-DEPENDENT. Identifiers: Orphanet 238557, MedGen C1837915, MONDO:0009892, OMIM 263400.
Von Hippel-Lindau syndrome (VHLS). Also called: Von Hippel-Lindau; von Hippel–Lindau syndrome; VHL syndrome. Identifiers: Orphanet 892, MedGen C0019562, MONDO:0008667, OMIM 193300. Disease mechanism: loss of function.

Allele frequency attached by ClinVar (database versions not stated): gnomAD exomes below 0.00001; TOPMed below 0.00001.
gnomAD v4.1: 1 of 1,589,374 alleles (0.000063%); highest among the groups gnomAD compares: Non-Finnish European, 0.000085%; no homozygotes.

Submissions (3):

All of Us Research Program, National Institutes of Health
Classification: Uncertain significance for Von Hippel-Lindau syndrome. Last evaluated: 2023-11-20. Review status: criteria provided, single submitter. Criteria: ACMG Guidelines, 2015. Collection method: clinical testing. Allele origin: germline. Inheritance: Autosomal dominant inheritance. Observed: 1 variant allele, 1 heterozygote.
Comment: This missense variant replaces alanine with threonine at codon 56 of the VHL protein. Computational prediction suggests that this variant may not impact protein structure and function (internally defined REVEL score threshold <= 0.5, PMID: 27666373). To our knowledge, functional studies have not been reported for this variant. This variant has not been reported in individuals affected with VHL-related disorders in the literature. This variant has been identified in 1/199844 chromosomes in the general population by the Genome Aggregation Database (gnomAD). The available evidence is insufficient to determine the role of this variant in disease conclusively. Therefore, this variant is classified as a Variant of Uncertain Significance.

This study involves interpretation of variants in research participants for the purpose of population health screening. Participant phenotype was not available at the time of variant classification. Additional details can be found in publication PMID: 35346344, PMCID: PMC8962531

Labcorp Genetics (formerly Invitae), Labcorp
Classification: Uncertain significance for Von Hippel-Lindau syndrome; Chuvash polycythemia. Last evaluated: 2023-11-10. Review status: criteria provided, single submitter. Criteria: Invitae Variant Classification Sherloc (09022015). Collection method: clinical testing. Allele origin: germline.
Comment: This sequence change replaces alanine, which is neutral and non-polar, with threonine, which is neutral and polar, at codon 56 of the VHL protein (p.Ala56Thr). The frequency data for this variant in the population databases is considered unreliable, as metrics indicate poor data quality at this position in the gnomAD database. This variant has not been reported in the literature in individuals affected with VHL-related conditions. Advanced modeling of protein sequence and biophysical properties (such as structural, functional, and spatial information, amino acid conservation, physicochemical variation, residue mobility, and thermodynamic stability) has been performed at Invitae for this missense variant, however the output from this modeling did not meet the statistical confidence thresholds required to predict the impact of this variant on VHL protein function. In summary, the available evidence is currently insufficient to determine the role of this variant in disease. Therefore, it has been classified as a Variant of Uncertain Significance.

GeneDx
Classification: Uncertain significance. Last evaluated: 2023-04-11. Review status: criteria provided, single submitter. Criteria: GeneDx Variant Classification Process June 2021. Collection method: clinical testing. Allele origin: germline. Affected: yes.
Comment: Not observed at significant frequency in large population cohorts (gnomAD); In silico analysis supports that this missense variant does not alter protein structure/function; Has not been previously published as pathogenic or benign to our knowledge